The following is an entry in ClinVar:

ClinVar aggregate classification (germline): Uncertain significance (1 of 4 stars; one submission).

Conditions:
Cone-rod dystrophy 6 (CORD6). Also called: Cone dystrophy progressive; RETINAL CONE DYSTROPHY 2. Identifiers: Orphanet 1872, MedGen C1866293, MONDO:0011143, OMIM 601777.
Leber congenital amaurosis 1 (LCA1). Also called: AMAUROSIS CONGENITA OF LEBER I; Congenital absence of the rods and cones; Leber's congenital tapetoretinal degeneration; Leber's congenital tapetoretinal dysplasia; RETINAL BLINDNESS, CONGENITAL. Identifiers: Orphanet 65, MedGen C2931258, MONDO:0008764, OMIM 204000.

Submission:

Labcorp Genetics (formerly Invitae), Labcorp
Classification: Uncertain significance for Leber congenital amaurosis 1; Cone-rod dystrophy 6. Last evaluated: 2023-08-24. Review status: criteria provided, single submitter. Criteria: Invitae Variant Classification Sherloc (09022015). Collection method: clinical testing. Allele origin: germline.
Comment: This variant has not been reported in the literature in individuals affected with GUCY2D-related conditions. ClinVar contains an entry for this variant (Variation ID: 2097667). Advanced modeling of protein sequence and biophysical properties (such as structural, functional, and spatial information, amino acid conservation, physicochemical variation, residue mobility, and thermodynamic stability) performed at Invitae indicates that this missense variant is not expected to disrupt GUCY2D protein function. In summary, the available evidence is currently insufficient to determine the role of this variant in disease. Therefore, it has been classified as a Variant of Uncertain Significance. This sequence change replaces glycine, which is neutral and non-polar, with arginine, which is basic and polar, at codon 57 of the GUCY2D protein (p.Gly57Arg). This variant is not present in population databases (gnomAD no frequency).

NM_000180.4(GUCY2D):c.169G>C (p.Gly57Arg)

Gene: GUCY2D (guanylate cyclase 2D, retinal; plus strand). Cytogenetic location: 17p13.1.
Variant type: single nucleotide variant.
Coding change: c.169G>C on transcript NM_000180.4 (MANE Select); coding-DNA position 169, G replaced by C.
Protein change: p.Gly57Arg; replaces glycine 57 with arginine.
Molecular consequence: missense variant.
Genome position (GRCh38, 1-based): chr17:8,003,216, G>C. VCF-style: chr17-8003216-G-C. GRCh37 (hg19) VCF-style: chr17-7906534-G-C.
Other names: short protein forms G57R.
Identifiers: ClinVar variation 2097667 (VCV002097667.4), dbSNP rs1221661127, ClinGen allele CA397942882.